The following is an entry in ClinVar:

ClinVar aggregate classification (germline): Uncertain significance (1 of 4 stars; one submission).

Conditions:
Intellectual developmental disorder with impaired language and dysmorphic facies. Identifiers: MedGen C5231444, MONDO:0032851, OMIM 618653.

gnomAD v4.1: 1 of 1,613,852 alleles (0.000062%); highest among the groups gnomAD compares: East Asian, 0.0022%; no homozygotes.

Submission:

Juno Genomics, Hangzhou Juno Genomics, Inc
Classification: Uncertain significance for Intellectual developmental disorder with impaired language and dysmorphic facies. Review status: criteria provided, single submitter. Criteria: ACMG Guidelines, 2015. Collection method: clinical testing. Allele origin: germline.
Comment: Missense variant in a gene that has a low rate of benign missense variation.;Multiple lines of computational evidence support a deleterious effect on the gene or gene product.;Absent from controls (or at extremely low frequency if recessive) in Genome Aggregation Database.

NM_004397.6(DDX6):c.1342A>G (p.Ser448Gly)

Gene: DDX6 (DEAD-box helicase 6; minus strand). Cytogenetic location: 11q23.3.
Variant type: single nucleotide variant.
Coding change: c.1342A>G on transcript NM_004397.6 (MANE Select); coding-DNA position 1342, A replaced by G.
Protein change: p.Ser448Gly; replaces serine 448 with glycine.
Molecular consequence: missense variant.
Genome position (GRCh38, 1-based): chr11:118,754,822, T>C on the plus strand (A>G on the coding strand, the complement: DDX6 is on the minus strand). VCF-style: chr11-118754822-T-C. GRCh37 (hg19) VCF-style: chr11-118625531-T-C.
Other names: c.1342A>G, p.Ser448Gly (NM_001257191.3, NM_001425145.1, NM_001425146.1); c.1339A>G, p.Ser447Gly (NM_001425147.1, NM_001425148.1); c.1213A>G, p.Ser405Gly (NM_001425149.1, NM_001425150.1); c.1195A>G, p.Ser399Gly (NM_001425151.1, NM_001425152.1); c.1066A>G, p.Ser356Gly (NM_001425153.1); c.1018A>G, p.Ser340Gly (NM_001425154.1); short protein forms S356G, S405G, S340G, S399G, S448G, S447G.
Identifiers: ClinVar variation 5007795 (VCV005007795.2).